The following is an entry in ClinVar:

NM_138814.4(PNPLA5):c.418C>T (p.Leu140Phe)

Gene: PNPLA5 (patatin like domain 5, triacylglycerol lipase; minus strand). Cytogenetic location: 22q13.31.
Variant type: single nucleotide variant.
Coding change: c.418C>T on transcript NM_138814.4 (MANE Select); coding-DNA position 418, C replaced by T.
Protein change: p.Leu140Phe; replaces leucine 140 with phenylalanine.
Molecular consequence: missense variant. On other transcripts: 5 prime UTR variant (1), intron variant (1).
Genome position (GRCh38, 1-based): chr22:43,891,070, G>A on the plus strand (C>T on the coding strand, the complement: PNPLA5 is on the minus strand). VCF-style: chr22-43891070-G-A. GRCh37 (hg19) VCF-style: chr22-44286950-G-A.
Other names: c.-47C>T (NM_001371410.1); c.193+618C>T (NM_001177675.2); short protein forms L140F.
Identifiers: ClinVar variation 3059437 (VCV003059437.2), dbSNP rs2071883, ClinGen allele CA10277665.

ClinVar aggregate classification (germline): Benign (0 of 4 stars; one submission).

Conditions:
PNPLA5-related disorder. Also called: PNPLA5-related condition.

Allele frequency attached by ClinVar (database versions not stated): gnomAD exomes 0.12010; ESP Exome Variant Server 0.12225; gnomAD 0.14819; TOPMed 0.15637; ExAC 0.19182; 1000 Genomes Project 30x 0.23157; 1000 Genomes Project 0.24002.
gnomAD v4.1: 198,401 of 1,607,232 alleles (12%); highest among the groups gnomAD compares: East Asian, 50%; 16,802 homozygotes.

Submission:

PreventionGenetics, part of Exact Sciences
Classification: Benign for PNPLA5-related condition. Last evaluated: 2019-10-21. Review status: no assertion criteria provided. Collection method: clinical testing. Allele origin: germline.
Comment: This variant is classified as benign based on ACMG/AMP sequence variant interpretation guidelines (Richards et al. 2015 PMID: 25741868, with internal and published modifications).